The following is an entry in ClinVar:

NM_001035.3(RYR2):c.12586A>G (p.Thr4196Ala)

Genes: RYR2 (ryanodine receptor 2; plus strand), LOC126806068 (BRD4-independent group 4 enhancer GRCh37_chr1:237947411-237948610; plus strand). Cytogenetic location: 1q43.
Variant type: single nucleotide variant.
Coding change: c.12586A>G on transcript NM_001035.3 (MANE Select); coding-DNA position 12586, A replaced by G.
Protein change: p.Thr4196Ala; replaces threonine 4196 with alanine.
Molecular consequence: missense variant.
Genome position (GRCh38, 1-based): chr1:237,784,298, A>G. VCF-style: chr1-237784298-A-G. GRCh37 (hg19) VCF-style: chr1-237947598-A-G.
Other names: short protein forms T4196A.
Identifiers: ClinVar variation 4982134 (VCV004982134.1).

ClinVar aggregate classification (germline): Likely pathogenic (1 of 4 stars; one submission).

Conditions:
RYR2-related disorder. Also called: RYR2-related condition.

Submission:

PreventionGenetics, part of Exact Sciences
Classification: Likely pathogenic for RYR2-related condition. Last evaluated: 2026-06-29. Review status: criteria provided, single submitter. Criteria: ACMG Guidelines, 2015. Collection method: clinical testing. Allele origin: germline.
Comment: The RYR2 c.12586A>G variant is predicted to result in the amino acid substitution p.Thr4196Ala. This variant has been reported in two patients with catecholaminergic polymorphic ventricular tachycardia (CPVT) and described as de novo in one of them (Tester et al. 2006. PubMed ID: 16818210; Shimamoto et al. 2022. PubMed ID: 35135837). Experimental studies have shown this variant increases the activity of RyR2 channels (Guo et al. 2020. PubMed ID: 32878990). It is located within a critical functional domain, the central core, which is a known hotspot for pathogenic variants (Xiao et al. 2016. PubMed ID: 27733687). Of note, another missense variant affecting the same amino acid (p.Thr4196Ile) has been reported in individuals with CPVT and has been shown to impair protein function (Mellor et al. 2017. PubMed ID: 28600387; Sun et al. 2021. PubMed ID: 33536282). This variant has not been reported in a large population database, indicating this variant is rare. This variant is interpreted as likely pathogenic.